The following is an entry in ClinVar:

NM_001330078.2(NRXN1):c.202C>G (p.Leu68Val)

Gene: NRXN1 (neurexin 1; minus strand). Cytogenetic location: 2p16.3.
Variant type: single nucleotide variant.
Coding change: c.202C>G on transcript NM_001330078.2 (MANE Select); coding-DNA position 202, C replaced by G.
Protein change: p.Leu68Val; replaces leucine 68 with valine.
Molecular consequence: missense variant.
Genome position (GRCh38, 1-based): chr2:51,028,072, G>C on the plus strand (C>G on the coding strand, the complement: NRXN1 is on the minus strand). VCF-style: chr2-51028072-G-C. GRCh37 (hg19) VCF-style: chr2-51255210-G-C.
Other names: c.202C>G, p.Leu68Val (NM_001330086.2, NM_001330087.2, NM_001330088.2 and 15 more transcripts); short protein forms L68V.
Identifiers: ClinVar variation 656904 (VCV000656904.8), dbSNP rs1160149775, ClinGen allele CA346824483.

ClinVar aggregate classification (germline): Uncertain significance (1 of 4 stars; one submission).

Conditions:
Pitt-Hopkins-like syndrome 2 (PTHSL2). Identifiers: Orphanet 221150, Orphanet 600663, MedGen C3280479, MONDO:0013690, OMIM 614325.

Allele frequency attached by ClinVar (database versions not stated): gnomAD 0.00003.
gnomAD v4.1: 3 of 1,593,190 alleles (0.00019%); highest among the groups gnomAD compares: East Asian, 0.0022%; no homozygotes.

Submission:

Labcorp Genetics (formerly Invitae), Labcorp
Classification: Uncertain significance for Pitt-Hopkins-like syndrome 2. Last evaluated: 2018-12-15. Review status: criteria provided, single submitter. Criteria: Invitae Variant Classification Sherloc (09022015). Collection method: clinical testing. Allele origin: germline.
Comment: This variant is not present in population databases (ExAC no frequency). This sequence change replaces leucine with valine at codon 68 of the NRXN1 protein (p.Leu68Val). The leucine residue is highly conserved and there is a small physicochemical difference between leucine and valine. This variant has not been reported in the literature in individuals with NRXN1-related conditions. Algorithms developed to predict the effect of missense changes on protein structure and function are either unavailable or do not agree on the potential impact of this missense change (SIFT: "Deleterious"; PolyPhen-2: "Benign"; Align-GVGD: "Class C0"). In summary, the available evidence is currently insufficient to determine the role of this variant in disease. Therefore, it has been classified as a Variant of Uncertain Significance.